The following is an entry in ClinVar:

NM_001101362.3(KBTBD13):c.369C>G (p.His123Gln)

Gene: KBTBD13 (kelch repeat and BTB domain containing 13; plus strand). Cytogenetic location: 15q22.31.
Variant type: single nucleotide variant.
Coding change: c.369C>G on transcript NM_001101362.3 (MANE Select); coding-DNA position 369, C replaced by G.
Protein change: p.His123Gln; replaces histidine 123 with glutamine.
Molecular consequence: missense variant.
Genome position (GRCh38, 1-based): chr15:65,077,184, C>G. VCF-style: chr15-65077184-C-G. GRCh37 (hg19) VCF-style: chr15-65369522-C-G.
Other names: short protein forms H123Q.
Identifiers: ClinVar variation 4809084 (VCV004809084.1).

ClinVar aggregate classification (germline): Uncertain significance (1 of 4 stars; one submission).

Conditions:
Nemaline myopathy 6 (NEM6). Also called: Nemaline myopathy 6, autosomal dominant. Identifiers: Orphanet 171439, MedGen C1836472, MONDO:0012237, OMIM 609273.

Submission:

Labcorp Genetics (formerly Invitae), Labcorp
Classification: Uncertain significance for Nemaline myopathy 6. Last evaluated: 2026-02-02. Review status: criteria provided, single submitter. Criteria: Invitae Variant Classification Sherloc (09022015). Collection method: clinical testing. Allele origin: germline.
Comment: This sequence change replaces histidine, which is basic and polar, with glutamine, which is neutral and polar, at codon 123 of the KBTBD13 protein (p.His123Gln). This variant is present in population databases (no rsID available, gnomAD 0.02%). This variant has not been reported in the literature in individuals affected with KBTBD13-related conditions. Invitae Evidence Modeling of protein sequence and biophysical properties (such as structural, functional, and spatial information, amino acid conservation, physicochemical variation, residue mobility, and thermodynamic stability) indicates that this missense variant is not expected to disrupt KBTBD13 protein function with a negative predictive value of 80%. In summary, the available evidence is currently insufficient to determine the role of this variant in disease. Therefore, it has been classified as a Variant of Uncertain Significance.